The following is an entry in ClinVar:

NM_020163.3(SEMA3G):c.1190C>A (p.Thr397Asn)

Gene: SEMA3G (semaphorin 3G; minus strand). Cytogenetic location: 3p21.1.
Variant type: single nucleotide variant.
Coding change: c.1190C>A on transcript NM_020163.3 (MANE Select); coding-DNA position 1190, C replaced by A.
Protein change: p.Thr397Asn; replaces threonine 397 with asparagine.
Molecular consequence: missense variant.
Genome position (GRCh38, 1-based): chr3:52,440,052, G>T on the plus strand (C>A on the coding strand, the complement: SEMA3G is on the minus strand). VCF-style: chr3-52440052-G-T. GRCh37 (hg19) VCF-style: chr3-52474068-G-T.
Other names: short protein forms T397N.
Identifiers: ClinVar variation 3347339 (VCV003347339.1).

ClinVar aggregate classification (germline): Uncertain significance (0 of 4 stars; one submission).

Conditions:
SEMA3G-related disorder. Also called: SEMA3G-related condition.

gnomAD v4.1: 3 of 1,600,056 alleles (0.00019%); highest among the groups gnomAD compares: African/African-American, 0.0013%; no homozygotes.

Submission:

PreventionGenetics, part of Exact Sciences
Classification: Uncertain significance for SEMA3G-related condition. Last evaluated: 2024-06-04. Review status: no assertion criteria provided. Collection method: clinical testing. Allele origin: germline.
Comment: The SEMA3G c.1190C>A variant is predicted to result in the amino acid substitution p.Thr397Asn. To our knowledge, this variant has not been reported in the literature or in a large population database, indicating this variant is rare. At this time, the clinical significance of this variant is uncertain due to the absence of conclusive functional and genetic evidence.